The following is an entry in ClinVar:

ClinVar aggregate classification (germline): Uncertain significance (1 of 4 stars; one submission).

Conditions:
STT3B-congenital disorder of glycosylation. Also called: STT3B-CDG; CDG Ix; Congenital disorder of glycosylation type 1x. Identifiers: Orphanet 370924, MedGen C2931007, MONDO:0014271, OMIM 615597.

Allele frequency attached by ClinVar (database versions not stated): gnomAD exomes below 0.00001; TOPMed 0.00001.
gnomAD v4.1: 2 of 1,592,290 alleles (0.00013%); highest among the groups gnomAD compares: African/African-American, 0.0027%; no homozygotes.

Submission:

Labcorp Genetics (formerly Invitae), Labcorp
Classification: Uncertain significance for STT3B-congenital disorder of glycosylation. Last evaluated: 2024-04-30. Review status: criteria provided, single submitter. Criteria: Invitae Variant Classification Sherloc (09022015). Collection method: clinical testing. Allele origin: germline.
Comment: This sequence change falls in intron 6 of the STT3B gene. It does not directly change the encoded amino acid sequence of the STT3B protein. It affects a nucleotide within the consensus splice site. This variant is present in population databases (no rsID available, gnomAD 0.007%). This variant has not been reported in the literature in individuals affected with STT3B-related conditions. ClinVar contains an entry for this variant (Variation ID: 1970903). Variants that disrupt the consensus splice site are a relatively common cause of aberrant splicing (PMID: 17576681, 9536098). Algorithms developed to predict the effect of sequence changes on RNA splicing suggest that this variant may disrupt the consensus splice site. In summary, the available evidence is currently insufficient to determine the role of this variant in disease. Therefore, it has been classified as a Variant of Uncertain Significance.

Literature cited by the submitters: PubMed 17576681; PubMed 9536098.

NM_178862.3(STT3B):c.976+5G>T

Gene: STT3B (STT3 oligosaccharyltransferase complex catalytic subunit B; plus strand). Cytogenetic location: 3p23.
Variant type: single nucleotide variant.
Coding change: c.976+5G>T on transcript NM_178862.3 (MANE Select); 5 bases into the intron after coding-DNA position 976, G replaced by T.
Molecular consequence: intron variant.
Genome position (GRCh38, 1-based): chr3:31,615,208, G>T. VCF-style: chr3-31615208-G-T. GRCh37 (hg19) VCF-style: chr3-31656700-G-T.
Identifiers: ClinVar variation 1970903 (VCV001970903.5), dbSNP rs1442527393, ClinGen allele CA541689465.